The following is an entry in ClinVar:

NM_203447.4(DOCK8):c.4786G>T (p.Val1596Leu)

Gene: DOCK8 (dedicator of cytokinesis 8; plus strand). Cytogenetic location: 9p24.3.
Variant type: single nucleotide variant.
Coding change: c.4786G>T on transcript NM_203447.4 (MANE Select); coding-DNA position 4786, G replaced by T.
Protein change: p.Val1596Leu; replaces valine 1596 with leucine.
Molecular consequence: missense variant.
Genome position (GRCh38, 1-based): chr9:433,875, G>T. VCF-style: chr9-433875-G-T. GRCh37 (hg19) VCF-style: chr9-433875-G-T.
Other names: c.4486G>T, p.Val1496Leu (NM_001190458.2); c.4582G>T, p.Val1528Leu (NM_001193536.2); short protein forms V1496L, V1528L, V1596L.
Identifiers: ClinVar variation 1001299 (VCV001001299.9), dbSNP rs2056804396, ClinGen allele CA372766933.

ClinVar aggregate classification (germline): Uncertain significance (1 of 4 stars; one submission).

Conditions:
Combined immunodeficiency due to DOCK8 deficiency (HIES2). Also called: HIES autosomal recessive; Hyper-IgE recurrent infection syndrome, autosomal recessive; DOCK8 Deficiency; HYPER-IgE RECURRENT INFECTION SYNDROME 2, AUTOSOMAL RECESSIVE; HYPER-IgE SYNDROME 2, AUTOSOMAL RECESSIVE, WITH RECURRENT INFECTIONS. Identifiers: Orphanet 217390, MedGen C4722305, MONDO:0009478, OMIM 243700.

Submission:

Labcorp Genetics (formerly Invitae), Labcorp
Classification: Uncertain significance for Combined immunodeficiency due to DOCK8 deficiency. Last evaluated: 2021-02-02. Review status: criteria provided, single submitter. Criteria: Invitae Variant Classification Sherloc (09022015). Collection method: clinical testing. Allele origin: germline.
Comment: Algorithms developed to predict the effect of sequence changes on RNA splicing suggest that this variant may disrupt the consensus splice site, but this prediction has not been confirmed by published transcriptional studies. Algorithms developed to predict the effect of missense changes on protein structure and function (SIFT, PolyPhen-2, Align-GVGD) all suggest that this variant is likely to be tolerated, but these predictions have not been confirmed by published functional studies and their clinical significance is uncertain. This variant has not been reported in the literature in individuals with DOCK8-related conditions. This variant is not present in population databases (ExAC no frequency). This sequence change replaces valine with leucine at codon 1596 of the DOCK8 protein (p.Val1596Leu). The valine residue is highly conserved and there is a small physicochemical difference between valine and leucine. In summary, the available evidence is currently insufficient to determine the role of this variant in disease. Therefore, it has been classified as a Variant of Uncertain Significance.